The following is an entry in ClinVar:

NM_139276.3(STAT3):c.986T>G (p.Met329Arg)

Gene: STAT3 (signal transducer and activator of transcription 3; minus strand). Cytogenetic location: 17q21.2.
Variant type: single nucleotide variant.
Coding change: c.986T>G on transcript NM_139276.3 (MANE Select); coding-DNA position 986, T replaced by G.
Protein change: p.Met329Arg; replaces methionine 329 with arginine.
Molecular consequence: missense variant.
Genome position (GRCh38, 1-based): chr17:42,333,736, A>C on the plus strand (T>G on the coding strand, the complement: STAT3 is on the minus strand). VCF-style: chr17-42333736-A-C. GRCh37 (hg19) VCF-style: chr17-40485754-A-C.
Other names: c.986T>G, p.Met329Arg (NM_001369512.1, NM_001369513.1, NM_001369514.1 and 7 more transcripts); short protein forms M329R.
Identifiers: ClinVar variation 827744 (VCV000827744.7), dbSNP rs1555566820, ClinGen allele CA399590723.

ClinVar aggregate classification (germline): Conflicting classifications of pathogenicity. Review status: criteria provided, conflicting classifications (1 of 4 stars). 3 submissions from 3 submitters: Likely pathogenic (2); Uncertain significance (1). Last evaluated 2022-09-13.

Conditions:
Inherited Immunodeficiency Diseases. Identifiers: MedGen C5197805, MeSH D000081207.
STAT3 gain of function. Identifiers: MedGen C4288261.
Hyper-IgE recurrent infection syndrome 1, autosomal dominant. Also called: JOB SYNDROME; Job's Syndrome; STAT3 Hyper IgE Syndrome; Hyper-IgE recurrent infection syndrome 1; HYPER-IgE SYNDROME 1, AUTOSOMAL DOMINANT, WITH RECURRENT INFECTIONS. Identifiers: Orphanet 2314, MedGen C2936739, MONDO:0007818, OMIM 147060.
STAT3-related early-onset multisystem autoimmune disease. Also called: Autoimmune disease, multisystem, infantile-onset, 1. Identifiers: Orphanet 438159, MedGen C4014795, MONDO:0014414, OMIM 615952.

Submissions (3):

Labcorp Genetics (formerly Invitae), Labcorp
Classification: Likely pathogenic for STAT3 gain of function; Hyper-IgE recurrent infection syndrome 1, autosomal dominant. Last evaluated: 2022-09-13. Review status: criteria provided, single submitter. Criteria: Invitae Variant Classification Sherloc (09022015). Collection method: clinical testing. Allele origin: germline.
Comment: This sequence change replaces methionine, which is neutral and non-polar, with arginine, which is basic and polar, at codon 329 of the STAT3 protein (p.Met329Arg). This variant is not present in population databases (gnomAD no frequency). This missense change has been observed in individual(s) with STAT3-related conditions (PMID: 30443250, 32499645). ClinVar contains an entry for this variant (Variation ID: 827744). Advanced modeling of protein sequence and biophysical properties (such as structural, functional, and spatial information, amino acid conservation, physicochemical variation, residue mobility, and thermodynamic stability) performed at Invitae indicates that this missense variant is expected to disrupt STAT3 protein function. This variant disrupts the p.Met329 amino acid residue in STAT3. Other variant(s) that disrupt this residue have been determined to be pathogenic (PMID: 33365035, 33717144). This suggests that this residue is clinically significant, and that variants that disrupt this residue are likely to be disease-causing. In summary, the currently available evidence indicates that the variant is pathogenic, but additional data are needed to prove that conclusively. Therefore, this variant has been classified as Likely Pathogenic.

NIHR Bioresource Rare Diseases, University of Cambridge
Classification: Uncertain significance for Inherited Immunodeficiency Diseases. Last evaluated: 2019-01-01. Review status: criteria provided, single submitter. Criteria: ACMG Guidelines, 2015. Collection method: research. Allele origin: germline. Affected: yes. Observed: 1 heterozygote.

Kasturba Medical College, Manipal, Kasturba Medical College, Manipal, Manipal Academy of Higher Education, Manipal, India
Classification: Likely pathogenic for STAT3-related early-onset multisystem autoimmune disease. Review status: criteria provided, single submitter. Criteria: ACMG Guidelines, 2015. Collection method: clinical testing. Allele origin: de novo. Inheritance: Autosomal dominant inheritance. Affected: yes.

Literature cited by the submitters: PubMed 30443250 (cited by Labcorp Genetics (formerly Invitae), Labcorp); PubMed 32499645 (cited by Labcorp Genetics (formerly Invitae), Labcorp); PubMed 33365035 (cited by Labcorp Genetics (formerly Invitae), Labcorp); PubMed 33717144 (cited by Labcorp Genetics (formerly Invitae), Labcorp).